The following is an entry in ClinVar:

NM_002491.3(NDUFB3):c.257A>G (p.Tyr86Cys)

Gene: NDUFB3 (NADH:ubiquinone oxidoreductase subunit B3; plus strand). Cytogenetic location: 2q33.1.
Variant type: single nucleotide variant.
Coding change: c.257A>G on transcript NM_002491.3 (MANE Select); coding-DNA position 257, A replaced by G.
Protein change: p.Tyr86Cys; replaces tyrosine 86 with cysteine.
Molecular consequence: missense variant.
Genome position (GRCh38, 1-based): chr2:201,085,575, A>G. VCF-style: chr2-201085575-A-G. GRCh37 (hg19) VCF-style: chr2-201950298-A-G.
Other names: c.257A>G, p.Tyr86Cys (NM_001257102.2); short protein forms Y86C.
Identifiers: ClinVar variation 1254748 (VCV001254748.5), dbSNP rs753587842, ClinGen allele CA2052337.
Genomic context (GRCh38, chr2:201,085,575, plus strand): 5'-TATTCTTTAAAGGATTCAAATGGGGATTTGCTGCATTTGTGGTAGCTGTAGGAGCTGAAT[A>G]TTACCTGGAGTCCCTGAATAAAGATAAGAAGCATCACTGAAGATAATACCTGGAAGCATC-3'
Protein context (NP_002482.1, residues 76-96): AAFVVAVGAE[Tyr86Cys]YLESLNKDKK

ClinVar aggregate classification (germline): Uncertain significance. Review status: criteria provided, multiple submitters, no conflicts (2 of 4 stars). 2 submissions from 2 submitters: Uncertain significance (2). Last evaluated 2022-06-27.

Allele frequency attached by ClinVar (database versions not stated): ExAC 0.00001; gnomAD 0.00001; gnomAD exomes 0.00001 and 0.00002; TOPMed 0.00001.
gnomAD v4.1: 34 of 1,612,714 alleles (0.0021%); highest among the groups gnomAD compares: Non-Finnish European, 0.0027%; no homozygotes.

Submissions (2):

Labcorp Genetics (formerly Invitae), Labcorp
Classification: Uncertain significance. Last evaluated: 2022-06-27. Review status: criteria provided, single submitter. Criteria: Invitae Variant Classification Sherloc (09022015). Collection method: clinical testing. Allele origin: germline.
Comment: This sequence change replaces tyrosine, which is neutral and polar, with cysteine, which is neutral and slightly polar, at codon 86 of the NDUFB3 protein (p.Tyr86Cys). This variant is present in population databases (rs753587842, gnomAD 0.003%). This variant has not been reported in the literature in individuals affected with NDUFB3-related conditions. ClinVar contains an entry for this variant (Variation ID: 1254748). Algorithms developed to predict the effect of missense changes on protein structure and function are either unavailable or do not agree on the potential impact of this missense change (SIFT: "Deleterious"; PolyPhen-2: "Probably Damaging"; Align-GVGD: "Class C0"). In summary, the available evidence is currently insufficient to determine the role of this variant in disease. Therefore, it has been classified as a Variant of Uncertain Significance.

GeneDx
Classification: Uncertain significance. Last evaluated: 2021-09-07. Review status: criteria provided, single submitter. Criteria: GeneDx Variant Classification Process June 2021. Collection method: clinical testing. Allele origin: germline. Affected: yes.
Comment: Not observed at significant frequency in large population cohorts (Lek et al., 2016); In silico analysis supports that this missense variant has a deleterious effect on protein structure/function; Has not been previously published as pathogenic or benign to our knowledge